The following is an entry in ClinVar:

ClinVar aggregate classification (germline): Benign/Likely benign. Review status: criteria provided, multiple submitters, no conflicts (2 of 4 stars). 10 submissions from 10 submitters: Benign (9); Likely benign (1). Last evaluated 2026-09-01.

Submissions (10):

CeGaT Center for Human Genetics Tuebingen
Classification: Benign. Last evaluated: 2026-09-01. Review status: criteria provided, single submitter. Criteria: CeGaT Center For Human Genetics Tuebingen Variant Classification Criteria Version 2. Collection method: clinical testing. Allele origin: germline. Affected: yes. Observed: 20 variant alleles.
Comment: TMC1: PM4:Supporting, BS1, BS2

Labcorp Genetics (formerly Invitae), Labcorp
Classification: Benign. Last evaluated: 2026-02-04. Review status: criteria provided, single submitter. Criteria: Invitae Variant Classification Sherloc (09022015). Collection method: clinical testing. Allele origin: germline.

Blueprint Genetics
Classification: Likely benign. Last evaluated: 2024-11-27. Review status: criteria provided, single submitter. Criteria: ACMG Guidelines, 2015. Collection method: clinical testing. Allele origin: germline.

ARUP Laboratories, Molecular Genetics and Genomics, ARUP Laboratories
Classification: Benign. Last evaluated: 2023-10-16. Review status: criteria provided, single submitter. Criteria: ARUP Molecular Germline Variant Investigation Process 2024. Collection method: clinical testing. Allele origin: germline.

Mayo Clinic Laboratories, Mayo Clinic
Classification: Benign. Last evaluated: 2022-05-23. Review status: criteria provided, single submitter. Criteria: ACMG Guidelines, 2015. Collection method: clinical testing. Allele origin: germline. Observed: 6 variant alleles.

Athena Diagnostics
Classification: Benign. Last evaluated: 2020-03-27. Review status: criteria provided, single submitter. Criteria: Athena Diagnostics Criteria. Collection method: clinical testing. Allele origin: unknown.

GeneDx
Classification: Benign. Last evaluated: 2018-05-18. Review status: criteria provided, single submitter. Criteria: GeneDx Variant Classification Process June 2021. Collection method: clinical testing. Allele origin: germline. Affected: yes.
Comment: This variant is associated with the following publications: (PMID: 26969326)

Eurofins Ntd Llc (ga)
Classification: Benign. Last evaluated: 2014-12-16. Review status: criteria provided, single submitter. Criteria: EGL Classification Definitions 2015. Collection method: clinical testing. Allele origin: germline.

Laboratory for Molecular Medicine, Mass General Brigham Personalized Medicine
Classification: Benign. Last evaluated: 2011-04-08. Review status: criteria provided, single submitter. Criteria: LMM Criteria. Collection method: clinical testing. Allele origin: germline. Observed: 65 variant alleles.
Comment: Glu83del in exon 8 of TMC1: This variant is not expected to have clinical signif icance because it has been found in 5/114 or 4.39% of White individuals, none of whom had a variant on the other allele and two cases had other clear etiologies for hearing loss.

PreventionGenetics, part of Exact Sciences
Classification: Benign. Review status: criteria provided, single submitter. Criteria: ACMG Guidelines, 2015. Collection method: clinical testing. Allele origin: germline.

NM_138691.3(TMC1):c.238GAA[3] (p.Glu83del)

Gene: TMC1 (transmembrane channel like 1; plus strand). Cytogenetic location: 9q21.13.
Variant type: Microsatellite.
Coding change: c.238GAA[3] on transcript NM_138691.3 (MANE Select); three copies in a row of the 3-base unit GAA starting at c.238; the reference has four copies in a row; one copy, 3 bases deleted.
Protein change: p.Glu83del; deletes glutamic acid 83.
Molecular consequence: inframe deletion.
Genome position (GRCh38, 1-based): chr9:72,700,528-72,700,530, GAA deleted; deleting any 3 consecutive bases within chr9:72,700,518-72,700,530 gives the same sequence; the position shown is the placement nearest the transcript's 3' end. VCF-style (leftmost placement, unchanged base first): chr9-72700517-GAGA-G. GRCh37 (hg19) VCF-style: chr9-75315433-GAGA-G.
Other names: c.237_239delAGA (NM_138691.2); c.247_249delGAA (NM_138691.2); short protein forms E83del.
Identifiers: ClinVar variation 47870 (VCV000047870.60), dbSNP rs376040866, ClinGen allele CA142073.